The following is an entry in ClinVar:

NM_020631.6(PLEKHG5):c.1801-16C>A

Gene: PLEKHG5 (pleckstrin homology and RhoGEF domain containing G5; minus strand). Cytogenetic location: 1p36.31.
Variant type: single nucleotide variant.
Coding change: c.1801-16C>A on transcript NM_020631.6 (MANE Select); 16 bases into the intron before coding-DNA position 1801, C replaced by A.
Molecular consequence: intron variant.
Genome position (GRCh38, 1-based): chr1:6,469,692, G>T on the plus strand (C>A on the coding strand, the complement: PLEKHG5 is on the minus strand). VCF-style: chr1-6469692-G-T. GRCh37 (hg19) VCF-style: chr1-6529752-G-T.
Other names: c.1801-16C>A (NM_198681.4, NM_001265594.3, NM_001042664.2 and 1 more transcripts); c.1912-16C>A (NM_001042663.3, NM_001265592.2); c.2008-16C>A (NM_001265593.2).
Identifiers: ClinVar variation 513060 (VCV000513060.6), dbSNP rs369955570, ClinGen allele CA561346.
Genomic context (GRCh38, chr1:6,469,692, plus strand): 5'-GGTCACCAACAGCAGATCCGTGAAGAGGAAGCAGTACACATCCATCTGCAGTGGCAGGAG[G>T]GGGGGTGGCCAGAGAGGCCAGCAGGGTCAGGGCCAGGGACTGTGGCACCAGCCTCCCCTG-3'

ClinVar aggregate classification (germline): Likely benign. Review status: criteria provided, multiple submitters, no conflicts (2 of 4 stars). 2 submissions from 2 submitters: Likely benign (2). Last evaluated 2024-12-30.

Conditions:
Neuronopathy, distal hereditary motor, autosomal recessive 4. Also called: NEUROPATHY, DISTAL HEREDITARY MOTOR, AUTOSOMAL RECESSIVE 4; Autosomal recessive lower motor neuron disease with childhood onset. Identifiers: Orphanet 206580, MedGen C1970211, MONDO:0012608, OMIM 611067.
Charcot-Marie-Tooth disease recessive intermediate C. Also called: CHARCOT-MARIE-TOOTH NEUROPATHY, RECESSIVE INTERMEDIATE C. Identifiers: Orphanet 369867, MedGen C3809309, MONDO:0014154, OMIM 615376.

Allele frequency attached by ClinVar (database versions not stated): TOPMed 0.00007; ESP Exome Variant Server 0.00008.
gnomAD v4.1: 46 of 1,610,560 alleles (0.0029%); highest among the groups gnomAD compares: South Asian, 0.0066%; no homozygotes.

Submissions (2):

Labcorp Genetics (formerly Invitae), Labcorp
Classification: Likely benign for Neuronopathy, distal hereditary motor, autosomal recessive 4; Charcot-Marie-Tooth disease recessive intermediate C. Last evaluated: 2024-12-30. Review status: criteria provided, single submitter. Criteria: Invitae Variant Classification Sherloc (09022015). Collection method: clinical testing. Allele origin: germline.

GeneDx
Classification: Likely benign. Last evaluated: 2017-11-06. Review status: criteria provided, single submitter. Criteria: GeneDx Variant Classification (06012015). Collection method: clinical testing. Allele origin: germline. Affected: yes.
Comment: This variant is considered likely benign or benign based on one or more of the following criteria: it is a conservative change, it occurs at a poorly conserved position in the protein, it is predicted to be benign by multiple in silico algorithms, and/or has population frequency not consistent with disease.